The following is an entry in ClinVar:

ClinVar aggregate classification (germline): Pathogenic (1 of 4 stars; one submission).

Submission:

Labcorp Genetics (formerly Invitae), Labcorp
Classification: Pathogenic. Last evaluated: 2021-06-30. Review status: criteria provided, single submitter. Criteria: Invitae Variant Classification Sherloc (09022015). Collection method: clinical testing. Allele origin: germline.
Comment: For these reasons, this variant has been classified as Pathogenic. This variant has not been reported in the literature in individuals affected with USH2A-related conditions. This variant is not present in population databases (ExAC no frequency). This sequence change creates a premature translational stop signal (p.Glu4458Profs*47) in the USH2A gene. It is expected to result in an absent or disrupted protein product. Loss-of-function variants in USH2A are known to be pathogenic (PMID: 10729113, 10909849, 20507924, 25649381).

Literature cited by the submitters: PubMed 10729113; PubMed 10909849; PubMed 20507924; PubMed 25649381.

NM_206933.4(USH2A):c.13372_13387del (p.Glu4458fs)

Gene: USH2A (usherin; minus strand). Cytogenetic location: 1q41.
Variant type: Deletion.
Coding change: c.13372_13387del on transcript NM_206933.4 (MANE Select); coding-DNA positions 13372 to 13387, 16 bases deleted (GAATCAATAGAAATCA).
Protein change: p.Glu4458fs; shifts the reading frame from glutamic acid 4458.
Molecular consequence: frameshift variant.
Genome position (GRCh38, 1-based): chr1:215,674,524-215,674,539, TGATTTCTATTGATTC deleted on the plus strand (GAATCAATAGAAATCA on the coding strand, the reverse complement: USH2A is on the minus strand); deleting any 16 consecutive bases within chr1:215,674,524-215,674,542 gives the same sequence; the c. name uses the placement nearest the transcript's 3' end. VCF-style (leftmost placement, unchanged base first): chr1-215674523-GTGATTTCTATTGATTC-G. GRCh37 (hg19) VCF-style: chr1-215847865-GTGATTTCTATTGATTC-G.
Other names: short protein forms E4458fs.
Identifiers: ClinVar variation 1390802 (VCV001390802.6), dbSNP rs2102665328, ClinGen allele CA2573131563.